The following is an entry in ClinVar:

ClinVar aggregate classification (germline): Uncertain significance (1 of 4 stars; one submission).

gnomAD v4.1: 2 of 1,606,160 alleles (0.00012%); highest among the groups gnomAD compares: Non-Finnish European, 0.000085%; no homozygotes.

Submission:

Labcorp Genetics (formerly Invitae), Labcorp
Classification: Uncertain significance. Last evaluated: 2023-06-30. Review status: criteria provided, single submitter. Criteria: Invitae Variant Classification Sherloc (09022015). Collection method: clinical testing. Allele origin: germline.
Comment: This sequence change affects codon 618 of the RGS9 mRNA. It is a 'silent' change, meaning that it does not change the encoded amino acid sequence of the RGS9 protein. This variant is not present in population databases (gnomAD no frequency). This variant has not been reported in the literature in individuals affected with RGS9-related conditions. ClinVar contains an entry for this variant (Variation ID: 1474227). Algorithms developed to predict the effect of sequence changes on RNA splicing suggest that this variant may disrupt the consensus splice site. In summary, the available evidence is currently insufficient to determine the role of this variant in disease. Therefore, it has been classified as a Variant of Uncertain Significance.

NM_003835.4(RGS9):c.1854C>T (p.Gly618=)

Gene: RGS9 (regulator of G protein signaling 9; plus strand). Cytogenetic location: 17q24.1.
Variant type: single nucleotide variant.
Coding change: c.1854C>T on transcript NM_003835.4 (MANE Select); coding-DNA position 1854, C replaced by T.
Protein change: p.Gly618=; no amino-acid change (glycine 618 retained).
Molecular consequence: synonymous variant.
Genome position (GRCh38, 1-based): chr17:65,225,448, C>T. VCF-style: chr17-65225448-C-T. GRCh37 (hg19) VCF-style: chr17-63221566-C-T.
Other names: c.1845C>T, p.Gly615= (NM_001081955.3).
Identifiers: ClinVar variation 1474227 (VCV001474227.6), dbSNP rs779028698, ClinGen allele CA501690866.